The following is an entry in ClinVar:

NM_207352.4(CYP4V2):c.987+3A>G

Gene: CYP4V2 (cytochrome P450 family 4 subfamily V member 2; plus strand). Cytogenetic location: 4q35.2.
Variant type: single nucleotide variant.
Coding change: c.987+3A>G on transcript NM_207352.4 (MANE Select); 3 bases into the intron after coding-DNA position 987, A replaced by G.
Molecular consequence: intron variant.
Genome position (GRCh38, 1-based): chr4:186,201,345, A>G. VCF-style: chr4-186201345-A-G. GRCh37 (hg19) VCF-style: chr4-187122499-A-G.
Other names: c.987+3A>G (NM_207352.3).
Identifiers: ClinVar variation 1023077 (VCV001023077.7), dbSNP rs149818768, ClinGen allele CA3162704.
Genomic context (GRCh38, chr4:186,201,345, plus strand): 5'-AGGGAACAGGCTAAGTCATGAAGATATTCGAGAAGAAGTTGACACCTTCATGTTTGAGGT[A>G]TTGTATATTGTTAGGTTCAGATATCATTAAACAAATTTCAGTTATTGTTAGAATCTTTAG-3'

ClinVar aggregate classification (germline): Uncertain significance. Review status: criteria provided, multiple submitters, no conflicts (2 of 4 stars). 2 submissions from 2 submitters: Uncertain significance (2). Last evaluated 2026-04-13.

Conditions:
CYP4V2-related disorder. Also called: CYP4V2-related disorders; CYP4V2-related condition.

Allele frequency attached by ClinVar (database versions not stated): gnomAD exomes 0.00002 and 0.00005; ExAC 0.00006; ESP Exome Variant Server 0.00023; TOPMed 0.00024; gnomAD 0.00027 and 0.00029; 1000 Genomes Project 0.00040; 1000 Genomes Project 30x 0.00047.
gnomAD v4.1: 70 of 1,613,874 alleles (0.0043%); highest among the groups gnomAD compares: African/African-American, 0.085%; no homozygotes.

Submissions (2):

PreventionGenetics, part of Exact Sciences
Classification: Uncertain significance for CYP4V2-related condition. Last evaluated: 2026-04-13. Review status: criteria provided, single submitter. Criteria: ACMG Guidelines, 2015. Collection method: clinical testing. Allele origin: germline.
Comment: The CYP4V2 c.987+3A>G variant is predicted to interfere with splicing. This variant is predicted to alter splicing based on available splicing prediction programs (SpliceAI, Jaganathan et al. 2019. PubMed ID: 30661751). However, the use of computer prediction programs is not equivalent to functional evidence. This variant has been reported in an individual with Bietti crystalline corneoretinal dystrophy (Table S1, Lin et al. 2024. PubMed ID: 38219857). This variant is reported in 0.084% of alleles in individuals of African descent in gnomAD. At this time, the clinical significance of this variant is uncertain due to the absence of conclusive functional and genetic evidence.

Labcorp Genetics (formerly Invitae), Labcorp
Classification: Uncertain significance. Last evaluated: 2024-11-04. Review status: criteria provided, single submitter. Criteria: Invitae Variant Classification Sherloc (09022015). Collection method: clinical testing. Allele origin: germline.
Comment: This sequence change falls in intron 7 of the CYP4V2 gene. It does not directly change the encoded amino acid sequence of the CYP4V2 protein. It affects a nucleotide within the consensus splice site. This variant is present in population databases (rs149818768, gnomAD 0.08%). This variant has been observed in individual(s) with Bietti crystalline dystrophy (PMID: 24480711). ClinVar contains an entry for this variant (Variation ID: 1023077). Variants that disrupt the consensus splice site are a relatively common cause of aberrant splicing (PMID: 17576681, 9536098). Algorithms developed to predict the effect of sequence changes on RNA splicing suggest that this variant may disrupt the consensus splice site. In summary, the available evidence is currently insufficient to determine the role of this variant in disease. Therefore, it has been classified as a Variant of Uncertain Significance.

Literature cited by the submitters: PubMed 24480711 (cited by Labcorp Genetics (formerly Invitae), Labcorp); PubMed 17576681 (cited by Labcorp Genetics (formerly Invitae), Labcorp); PubMed 9536098 (cited by Labcorp Genetics (formerly Invitae), Labcorp).